The following is an entry in ClinVar:

ClinVar aggregate classification (germline): Uncertain significance (1 of 4 stars; one submission).

gnomAD v4.1: 6 of 1,614,150 alleles (0.00037%); highest among the groups gnomAD compares: Non-Finnish European, 0.00042%; no homozygotes.

Submission:

Ambry Genetics
Classification: Uncertain significance. Last evaluated: 2025-04-15. Review status: criteria provided, single submitter. Criteria: Ambry Variant Classification Scheme 2023. Collection method: clinical testing. Allele origin: germline.
Comment: The p.H265R variant (also known as c.794A>G), located in coding exon 1 of the MLH3 gene, results from an A to G substitution at nucleotide position 794. The histidine at codon 265 is replaced by arginine, an amino acid with highly similar properties. This amino acid position is highly conserved in available vertebrate species. In addition, the in silico prediction for this alteration is inconclusive. The evidence for this gene-disease relationship is limited; therefore, the clinical significance of this alteration is unclear.

NM_001040108.2(MLH3):c.794A>G (p.His265Arg)

Gene: MLH3 (mutL homolog 3; minus strand). Cytogenetic location: 14q24.3.
Variant type: single nucleotide variant.
Coding change: c.794A>G on transcript NM_001040108.2 (MANE Select); coding-DNA position 794, A replaced by G.
Protein change: p.His265Arg; replaces histidine 265 with arginine.
Molecular consequence: missense variant.
Genome position (GRCh38, 1-based): chr14:75,048,862, T>C on the plus strand (A>G on the coding strand, the complement: MLH3 is on the minus strand). VCF-style: chr14-75048862-T-C. GRCh37 (hg19) VCF-style: chr14-75515565-T-C.
Other names: c.794A>G, p.His265Arg (NM_014381.3); short protein forms H265R.
Identifiers: ClinVar variation 4055422 (VCV004055422.1).